The following is an entry in ClinVar:

NM_000257.4(MYH7):c.4790T>G (p.Leu1597Arg)

Genes: MHRT (myosin heavy chain associated RNA transcript; plus strand), MYH7 (myosin heavy chain 7; minus strand), LOC126861897 (BRD4-independent group 4 enhancer GRCh37_chr14:23884455-23885654; plus strand). Cytogenetic location: 14q11.2.
Variant type: single nucleotide variant.
Coding change: c.4790T>G on transcript NM_000257.4 (MANE Select); coding-DNA position 4790, T replaced by G.
Protein change: p.Leu1597Arg; replaces leucine 1597 with arginine.
Molecular consequence: missense variant. On other transcripts: non-coding transcript variant (1).
Genome position (GRCh38, 1-based): chr14:23,416,167, A>C on the plus strand (T>G on the coding strand, the complement: MYH7 is on the minus strand). VCF-style: chr14-23416167-A-C. GRCh37 (hg19) VCF-style: chr14-23885376-A-C.
Other names: c.4790T>G, p.Leu1597Arg (NM_001407004.1); short protein forms L1597R.
Identifiers: ClinVar variation 4757614 (VCV004757614.1).

ClinVar aggregate classification (germline): Uncertain significance (1 of 4 stars; one submission).

Conditions:
Cardiomyopathy (CMYO). Also called: Cardiomyopathies. Identifiers: Orphanet 167848, MedGen C0878544, MONDO:0004994, HP:0001638. Inheritance: Various modes of inheritance.

Submission:

Color Diagnostics, LLC DBA Color Health
Classification: Uncertain significance for Cardiomyopathy. Last evaluated: 2025-07-14. Review status: criteria provided, single submitter. Criteria: ACMG Guidelines, 2015. Collection method: clinical testing. Allele origin: germline.
Comment: This missense variant replaces leucine with arginine at codon 1597 of the MYH7 protein. Computational prediction suggests that this variant may have a deleterious impact on protein structure and function. To our knowledge, functional studies have not been reported for this variant. This variant has not been reported in individuals affected with cardiomyopathy in the literature. It has been reported to occur de novo in two unrelated individuals affected with congenital myopathy (PMID: 23478172). This variant has not been identified in the general population by the Genome Aggregation Database (gnomAD). The available evidence is insufficient to determine the role of this variant in cardiomyopathy conclusively. Although there is suspicion that this variant may be associated with congenital myopathy, additional studies are necessary to determine the role of this variant in disease conclusively. Therefore, this variant is classified as a Variant of Uncertain Significance.

Literature cited by the submitters: PubMed 23478172.